The following is an entry in ClinVar:

ClinVar aggregate classification (germline): Benign. Review status: reviewed by expert panel (3 of 4 stars). 13 submissions from 12 submitters: Benign (1). 12 of the submissions do not count toward it. Last evaluated 2023-12-22.

Conditions:
RPE65-related recessive retinopathy. Also called: Recessive RPE65 retinopathy. Identifiers: MedGen CN305526, MONDO:0100368.
Retinitis pigmentosa 87 with choroidal involvement. Identifiers: MedGen C5231465, MONDO:0032873, OMIM 618697.
Leber congenital amaurosis 2 (LCA2). Also called: AMAUROSIS CONGENITA OF LEBER II; Autosomal Recessive RPE65-Related Retinal Degeneration. Identifiers: Orphanet 65, MedGen C1859844, MONDO:0008765, OMIM 204100. Disease mechanism: loss of function.
Retinitis pigmentosa 20 (RP20). Identifiers: Orphanet 791, MedGen C3151086, MONDO:0013425, OMIM 613794.
Leber congenital amaurosis (LCA). Also called: Leber's amaurosis. Identifiers: Orphanet 65, MedGen C0339527, MeSH D057130, MONDO:0018998.
Retinitis pigmentosa (RP). Identifiers: Orphanet 791, MedGen C0035334, MeSH D012174, MONDO:0019200, OMIM 268000. Inheritance: Autosomal dominant, autosomal recessive and X linked inheritance.

Allele frequency attached by ClinVar (database versions not stated): gnomAD exomes 0.00574; ExAC 0.00699; gnomAD 0.02226 and 0.02403; TOPMed 0.02396; 1000 Genomes Project 0.02516; ESP Exome Variant Server 0.02560; 1000 Genomes Project 30x 0.02733.

Submissions (13):

ClinGen Leber Congenital Amaurosis/early Onset Retinal Dystrophy Variant Curation Expert Panel, ClinGen
Classification: Benign for RPE65-related recessive retinopathy. Last evaluated: 2023-12-22. Review status: reviewed by expert panel. Criteria: ClinGen LCAeoRD ACMG Specifications RPE65 V1.0.0. Collection method: curation. Allele origin: germline. Inheritance: Autosomal recessive inheritance.
Comment: The NM_000329.3(RPE65):c.1301C>T (p.Ala434Val) missense variant that is present in gnomAD v.2.1.1 at a GrpMax allele frequency of 0.07646, with 1976 alleles / 24962 total alleles in the African / African-American population with 72 homozygotes, which is higher than the ClinGen LCA / eoRD VCEP BA1 threshold of >0.008 (BA1). The variant has been reported in at least one patient with retinal dystrophy, however the phenotype is not specific to RPE65 and no second variant was described in trans (PMID: 9501220). Three separate publications on families who carry this variant have reported unaffected individuals who harbor it in homozygous state (PMID: 19431183, PMID: 9501220, PMID: 19920137, BS2). The computational predictor REVEL gives a score of 0.418, which is below the ClinGen LCA / eoRD VCEP threshold of greater than or equal to 0.7 and does not predict a damaging effect on RPE65 function. Additionally, the splicing impact predictor SpliceAI gives a score of 0.14, which is below the ClinGen LCA / eoRD VCEP recommended threshold of greater than or equal to 0.2 and does not strongly predict an impact on splicing. The variant exhibited 110% or 55% enzymatic activity in two retinoid isomerase assays relative to the wild-type control, which are higher than the ClinGen LCA / eoRD BS3_Supporting threshold of >50% activity, indicating that it largely preserves normal protein function (PMID: 19431183, PMID: 16150724, BS3_Supporting). In summary, this variant meets the criteria to be classified as Benign for RPE65-related recessive retinopathy based on the ACMG/AMP criteria applied, as specified by the ClinGen LCA/eoRD VCEP: BA1, BS2, BS3_supporting. (VCEP specifications version 1.0.0; date of approval 09/21/2023).

Labcorp Genetics (formerly Invitae), Labcorp
Classification: Benign for Leber congenital amaurosis 2; Retinitis pigmentosa 20. Last evaluated: 2026-02-03. Review status: criteria provided, single submitter. Criteria: Invitae Variant Classification Sherloc (09022015). Collection method: clinical testing. Allele origin: germline. Not counted in ClinVar's aggregate classification.

ARUP Laboratories, Molecular Genetics and Genomics, ARUP Laboratories
Classification: Benign. Last evaluated: 2023-10-16. Review status: criteria provided, single submitter. Criteria: ARUP Molecular Germline Variant Investigation Process 2024. Collection method: clinical testing. Allele origin: germline. Not counted in ClinVar's aggregate classification.

Fulgent Genetics
Classification: Benign for Leber congenital amaurosis 2; Retinitis pigmentosa 20; Retinitis pigmentosa 87 with choroidal involvement. Last evaluated: 2022-04-21. Review status: criteria provided, single submitter. Criteria: ACMG Guidelines, 2015. Collection method: clinical testing. Allele origin: unknown. Not counted in ClinVar's aggregate classification.

Women's Health and Genetics/Laboratory Corporation of America, LabCorp
Classification: Likely benign. Last evaluated: 2021-12-10. Review status: criteria provided, single submitter. Criteria: LabCorp Variant Classification Summary - May 2015. Collection method: clinical testing. Allele origin: germline. Not counted in ClinVar's aggregate classification.

Illumina Laboratory Services, Illumina
Classification: Benign for Leber congenital amaurosis 2. Last evaluated: 2017-04-27. Review status: criteria provided, single submitter. Criteria: ICSL Variant Classification Criteria 13 December 2019. Collection method: clinical testing. Allele origin: germline. Not counted in ClinVar's aggregate classification.
Comment: This variant was observed as part of a predisposition screen in an ostensibly healthy population. A literature search was performed for the gene, cDNA change, and amino acid change (where applicable). Publications were found based on this search. The evidence from the literature, in combination with allele frequency data from public databases where available, was sufficient to rule this variant out of causing disease. Therefore, this variant is classified as benign.

Illumina Laboratory Services, Illumina
Classification: Benign for Retinitis pigmentosa. Last evaluated: 2017-04-27. Review status: criteria provided, single submitter. Criteria: ICSL Variant Classification Criteria 13 December 2019. Collection method: clinical testing. Allele origin: germline. Not counted in ClinVar's aggregate classification.
Comment: This variant was observed as part of a predisposition screen in an ostensibly healthy population. A literature search was performed for the gene, cDNA change, and amino acid change (where applicable). No publications were found based on this search. Allele frequency data from public databases was too high to be consistent with this variant causing disease. Therefore, this variant is classified as benign.

GeneDx
Classification: Benign. Last evaluated: 2016-12-30. Review status: criteria provided, single submitter. Criteria: GeneDx Variant Classification (06012015). Collection method: clinical testing. Allele origin: germline. Affected: yes. Not counted in ClinVar's aggregate classification.
Comment: This variant is considered likely benign or benign based on one or more of the following criteria: it is a conservative change, it occurs at a poorly conserved position in the protein, it is predicted to be benign by multiple in silico algorithms, and/or has population frequency not consistent with disease.

Eurofins Ntd Llc (ga)
Classification: Benign. Last evaluated: 2016-06-14. Review status: criteria provided, single submitter. Criteria: EGL Classification Definitions 2015. Collection method: clinical testing. Allele origin: germline. Observed: 1 variant allele, 1 heterozygote. Not counted in ClinVar's aggregate classification.

Breakthrough Genomics
Classification: Likely benign. Review status: criteria provided, single submitter. Criteria: ACMG Guidelines, 2015. Collection method: not provided. Allele origin: germline. Inheritance: Autosomal recessive inheritance. Affected: yes. Not counted in ClinVar's aggregate classification.

Natera, Inc.
Classification: Benign for Leber congenital amaurosis. Last evaluated: 2020-09-16. Review status: no assertion criteria provided. Collection method: clinical testing. Allele origin: germline. Not counted in ClinVar's aggregate classification.

Counsyl
Classification: Benign for Leber congenital amaurosis 2; Retinitis pigmentosa 20. Last evaluated: 2017-03-06. Review status: no assertion criteria provided. Collection method: clinical testing. Allele origin: unknown. Not counted in ClinVar's aggregate classification.

Retina International
No classification provided. Review status: no classification provided. Collection method: not provided. Allele origin: not provided. Not counted in ClinVar's aggregate classification.

Literature cited by the submitters: PubMed 16150724 (cited by ClinGen Leber Congenital Amaurosis/early Onset Retinal Dystrophy Variant Curation Expert Panel, ClinGen); PubMed 9501220 (cited by Illumina Laboratory Services, Illumina); PubMed 10090910 (cited by Illumina Laboratory Services, Illumina); PubMed 19431183 (cited by Illumina Laboratory Services, Illumina and Counsyl); PubMed 19920137 (cited by Counsyl).

NM_000329.3(RPE65):c.1301C>T (p.Ala434Val)

Gene: RPE65 (retinoid isomerohydrolase RPE65; minus strand). Cytogenetic location: 1p31.3.
Variant type: single nucleotide variant.
Coding change: c.1301C>T on transcript NM_000329.3 (MANE Select); coding-DNA position 1301, C replaced by T.
Protein change: p.Ala434Val; replaces alanine 434 with valine.
Molecular consequence: missense variant.
Genome position (GRCh38, 1-based): chr1:68,431,319, G>A on the plus strand (C>T on the coding strand, the complement: RPE65 is on the minus strand). VCF-style: chr1-68431319-G-A. GRCh37 (hg19) VCF-style: chr1-68897002-G-A.
Other names: NM_000329.3(RPE65):c.1301C>T; short protein forms A434V.
Identifiers: ClinVar variation 98836 (VCV000098836.34), dbSNP rs34627040, ClinGen allele CA226501.